The following is an entry in ClinVar:

NM_017780.4(CHD7):c.5803A>G (p.Met1935Val)

Gene: CHD7 (chromodomain helicase DNA binding protein 7; plus strand). Cytogenetic location: 8q12.2.
Variant type: single nucleotide variant.
Coding change: c.5803A>G on transcript NM_017780.4 (MANE Select); coding-DNA position 5803, A replaced by G.
Protein change: p.Met1935Val; replaces methionine 1935 with valine.
Molecular consequence: missense variant. On other transcripts: intron variant (1).
Genome position (GRCh38, 1-based): chr8:60,852,156, A>G. VCF-style: chr8-60852156-A-G. GRCh37 (hg19) VCF-style: chr8-61764715-A-G.
Other names: c.1717-10073A>G (NM_001316690.1); short protein forms M1935V.
Identifiers: ClinVar variation 3393636 (VCV003393636.1).

ClinVar aggregate classification (germline): Uncertain significance (1 of 4 stars; one submission).

Submission:

GeneDx
Classification: Uncertain significance. Last evaluated: 2024-07-01. Review status: criteria provided, single submitter. Criteria: GeneDx Variant Classification Process June 2021. Collection method: clinical testing. Allele origin: germline. Affected: yes.
Comment: Not observed at significant frequency in large population cohorts (gnomAD); In silico analysis indicates that this missense variant does not alter protein structure/function; Has not been previously published as pathogenic or benign to our knowledge